The following is an entry in ClinVar:

NM_007294.4(BRCA1):c.1374C>G (p.Asp458Glu)

Gene: BRCA1 (BRCA1 DNA repair associated; minus strand). Cytogenetic location: 17q21.31.
Variant type: single nucleotide variant.
Coding change: c.1374C>G on transcript NM_007294.4 (MANE Select); coding-DNA position 1374, C replaced by G.
Protein change: p.Asp458Glu; replaces aspartic acid 458 with glutamic acid.
Molecular consequence: missense variant. On other transcripts: intron variant (137).
Genome position (GRCh38, 1-based): chr17:43,094,157, G>C on the plus strand (C>G on the coding strand, the complement: BRCA1 is on the minus strand). VCF-style: chr17-43094157-G-C. GRCh37 (hg19) VCF-style: chr17-41246174-G-C.
Other names: c.1233C>G, p.Asp411Glu (NM_001407944.1, NM_001407945.1, NM_001407750.1 and 29 more transcripts); c.1041C>G, p.Asp347Glu (NM_001407946.1, NM_001407947.1, NM_001407948.1 and 6 more transcripts); c.1230C>G, p.Asp410Glu (NM_001407747.1, NM_001407748.1, NM_001407749.1 and 20 more transcripts); c.1161C>G, p.Asp387Glu (NM_001407853.1, NM_001407894.1, NM_001407895.1 and 9 more transcripts); c.1374C>G, p.Asp458Glu (NM_001407854.1, NM_001407858.1, NM_001407859.1 and 30 more transcripts); c.1371C>G, p.Asp457Glu (NM_001407860.1, NM_001407861.1, NM_001407587.1 and 22 more transcripts); c.1173C>G, p.Asp391Glu (NM_001407862.1); c.1251C>G, p.Asp417Glu (NM_001407863.1, NM_001407648.1, NM_001407664.1 and 19 more transcripts); and 40 more; short protein forms D162E, D290E, D330E, D331E, D346E, D347E, D369E, D370E.
Identifiers: ClinVar variation 2683812 (VCV002683812.1), dbSNP rs879253999, ClinGen allele CA10599296.

ClinVar aggregate classification (germline): Likely benign (0 of 4 stars; one submission).

Conditions:
Breast-ovarian cancer, familial, susceptibility to, 1 (BROVCA1). Also called: BRCA1 Hereditary Breast and Ovarian Cancer; OVARIAN CANCER, SUSCEPTIBILITY TO. Identifiers: Orphanet 145, MedGen C2676676, MONDO:0011450, OMIM 604370. Disease mechanism: loss of function.

Submission:

Department of Medical and Surgical Sciences, University of Bologna
Classification: Likely benign for Breast-ovarian cancer, familial, susceptibility to, 1. Last evaluated: 2023-09-01. Review status: no assertion criteria provided. Collection method: clinical testing. Allele origin: germline. Affected: yes.
Comment: BP1(Strong) according to ACMG/AMP classification guidelines specified for BRCA1 & BRCA2 (Classification Criteria V1.0.0 2023-09-08) (PMID: 38160042)